The following is an entry in ClinVar:

ClinVar aggregate classification (germline): Conflicting classifications of pathogenicity. Review status: criteria provided, conflicting classifications (1 of 4 stars). 11 submissions from 11 submitters: Uncertain significance (1); Benign (6); Likely benign (1). 3 of the submissions do not count toward it. Last evaluated 2026-06-01.

Conditions:
Microcephaly 5, primary, autosomal recessive (MCPH5). Also called: ASPM Primary Microcephaly. Identifiers: Orphanet 2512, MedGen C1837501, MONDO:0012106, OMIM 608716.

Allele frequency attached by ClinVar (database versions not stated): ESP Exome Variant Server 0.00008; ExAC 0.00504; 1000 Genomes Project 0.01138; gnomAD 0.00130 and 0.00009; gnomAD exomes 0.00467 and 0.00228; 1000 Genomes Project 30x 0.01062; TOPMed 0.00030.
gnomAD v4.1: 3,530 of 1,613,386 alleles (0.22%); highest among the groups gnomAD compares: South Asian, 3.6%; 113 homozygotes.

Submissions (11):

CeGaT Center for Human Genetics Tuebingen
Classification: Benign. Last evaluated: 2026-06-01. Review status: criteria provided, single submitter. Criteria: CeGaT Center For Human Genetics Tuebingen Variant Classification Criteria Version 2. Collection method: clinical testing. Allele origin: germline. Affected: yes. Observed: 12 variant alleles.
Comment: ASPM: BP4, BS1, BS2

Labcorp Genetics (formerly Invitae), Labcorp
Classification: Benign. Last evaluated: 2025-10-24. Review status: criteria provided, single submitter. Criteria: Invitae Variant Classification Sherloc (09022015). Collection method: clinical testing. Allele origin: germline.

Athena Diagnostics
Classification: Benign. Last evaluated: 2018-02-28. Review status: criteria provided, single submitter. Criteria: Athena Diagnostics Criteria. Collection method: clinical testing. Allele origin: germline.

Illumina Laboratory Services, Illumina
Classification: Likely benign for Microcephaly 5, primary, autosomal recessive. Last evaluated: 2017-04-27. Review status: criteria provided, single submitter. Criteria: ICSL Variant Classification Criteria 13 December 2019. Collection method: clinical testing. Allele origin: germline.
Comment: This variant was observed as part of a predisposition screen in an ostensibly healthy population. A literature search was performed for the gene, cDNA change, and amino acid change (where applicable). Publications were found based on this search. The evidence from the literature, in combination with allele frequency data from public databases where available, was sufficient to determine this variant is unlikely to cause disease. Therefore, this variant is classified as likely benign.

Eurofins Ntd Llc (ga)
Classification: Benign. Last evaluated: 2017-02-07. Review status: criteria provided, single submitter. Criteria: EGL Classification Definitions 2015. Collection method: clinical testing. Allele origin: germline. Observed: 1 variant allele, 1 heterozygote.

GeneDx
Classification: Benign. Last evaluated: 2016-07-22. Review status: criteria provided, single submitter. Criteria: GeneDx Variant Classification (06012015). Collection method: clinical testing. Allele origin: germline. Affected: yes.
Comment: This variant is considered likely benign or benign based on one or more of the following criteria: it is a conservative change, it occurs at a poorly conserved position in the protein, it is predicted to be benign by multiple in silico algorithms, and/or has population frequency not consistent with disease.

Genetic Services Laboratory, University of Chicago
Classification: Uncertain significance for Microcephaly 5, primary, autosomal recessive. Last evaluated: 2013-02-08. Review status: criteria provided, single submitter. Criteria: ACMG Guidelines, 2007. Collection method: clinical testing. Allele origin: germline. Inheritance: Autosomal recessive inheritance.

Broad Center for Mendelian Genomics, Broad Institute of MIT and Harvard
Classification: Benign for Microcephaly 5, primary, autosomal recessive. Review status: criteria provided, single submitter. Criteria: ACMG Guidelines, 2015. Collection method: research. Allele origin: germline. Inheritance: Autosomal recessive inheritance. Affected: yes.
Comment: The homozygous p.Gln3180Pro variant in ASPM has been identified in 4 siblings from 1 family with primary microcephaly (PMID: 16673149), and has been identified in >3% of South Asian chromosomes and 19 homozygotes by ExAC. In summary, this variant meets criteria to be classified as benign for autosomal recessive primary microcephaly.

GeneReviews
No classification provided. Condition: Microcephaly 5, primary, autosomal recessive. Review status: no classification provided. Collection method: literature only. Allele origin: unknown. Not counted in ClinVar's aggregate classification.

Genome Diagnostics Laboratory, University Medical Center Utrecht
Classification: Likely benign. Review status: no assertion criteria provided. Collection method: clinical testing. Allele origin: germline. Affected: yes. Study: VKGL Data-share Consensus. Not counted in ClinVar's aggregate classification.

Laboratory of Diagnostic Genome Analysis, Leiden University Medical Center (LUMC)
Classification: Likely benign. Review status: no assertion criteria provided. Collection method: clinical testing. Allele origin: germline. Affected: yes. Study: VKGL Data-share Consensus. Not counted in ClinVar's aggregate classification.

Literature cited by the submitters: PubMed 27250695 (cited by Athena Diagnostics); PubMed 26548919 (cited by Athena Diagnostics); PubMed 16673149 (cited by 4 submitters); PubMed 23611254 (cited by Illumina Laboratory Services, Illumina); PubMed 20301772 (cited by GeneReviews); NCBI Bookshelf NBK9587 (cited by GeneReviews).

NM_018136.5(ASPM):c.9539A>C (p.Gln3180Pro)

Gene: ASPM (assembly factor for spindle microtubules; minus strand). Cytogenetic location: 1q31.3.
Variant type: single nucleotide variant.
Coding change: c.9539A>C on transcript NM_018136.5 (MANE Select); coding-DNA position 9539, A replaced by C.
Protein change: p.Gln3180Pro; replaces glutamine 3180 with proline.
Molecular consequence: missense variant.
Genome position (GRCh38, 1-based): chr1:197,090,947, T>G on the plus strand (A>C on the coding strand, the complement: ASPM is on the minus strand). VCF-style: chr1-197090947-T-G. GRCh37 (hg19) VCF-style: chr1-197060077-T-G.
Other names: c.4784A>C, p.Gln1595Pro (NM_001206846.2); short protein forms Q3180P, Q1595P.
Identifiers: ClinVar variation 21628 (VCV000021628.50), dbSNP rs193251130, ClinGen allele CA233487.
Genomic context (GRCh38, chr1:197,090,947, plus strand): 5'-TTTTTACGGAGGAGAAAATGGCGCACTGCTTTCTGTATTACTGATGCAGCCCTATTTCGC[T>G]GGCTCAGACATTCTTGACCTTCATGCTCAATCTTTTTGATGCTATGATATTTCTGAATAA-3'
Protein context (NP_060606.3, residues 3170-3190): IEHEGQECLS[Gln3180Pro]RNRAASVIQK